The following is an entry in ClinVar:

ClinVar aggregate classification (germline): Pathogenic/Likely pathogenic. Review status: criteria provided, multiple submitters, no conflicts (2 of 4 stars). 7 submissions from 7 submitters: Pathogenic (3); Likely pathogenic (1). 3 of the submissions do not count toward it. Last evaluated 2026-08-18.

Conditions:
ARSA-related disorder. Also called: ARSA-related condition.
Metachromatic leukodystrophy (MLD). Also called: Cerebral sclerosis diffuse metachromatic form; Arylsulfatase A Deficiency; CEREBROSIDE SULFATASE DEFICIENCY; METACHROMATIC LEUKOENCEPHALOPATHY; SULFATIDE LIPIDOSIS; ARSA DEFICIENCY. Identifiers: Orphanet 512, MedGen C0023522, MONDO:0018868, OMIM 250100.

Allele frequency attached by ClinVar (database versions not stated): ExAC 0.00002; gnomAD exomes 0.00001; TOPMed 0.00001.
gnomAD v4.1: 7 of 1,614,104 alleles (0.00043%); highest among the groups gnomAD compares: African/African-American, 0.0013%; no homozygotes.

Submissions (8):

PreventionGenetics, part of Exact Sciences
Classification: Pathogenic for ARSA-related condition. Last evaluated: 2026-08-18. Review status: criteria provided, single submitter. Criteria: ACMG Guidelines, 2015. Collection method: clinical testing. Allele origin: germline.
Comment: The ARSA c.746T>C variant is predicted to result in the amino acid substitution p.Phe249Ser. This variant, also described as p.Phe247Ser, has been reported with a second pathogenic variant in at least six individuals with metachromatic leukodystrophy (MRD) (Olkhovich et al. 2003. PubMed ID: 14680985; Wang et al. 2024. PubMed ID: 38693247; Virgens et al. 2015. PubMed ID: 25965562; Luzi et al. 2013. PubMed ID: 24001781; Ługowska et al. 2013. PubMed ID: 23701968; Liaw et al. 2015. PubMed ID: 26553228; Omar et al. 2025. PubMed ID: 40883240). An alternate amino acid change at the same position has also been reported as causative (reported as p.Phe247Cys; Narayanan et al. 2019. PubMed ID: 30674982). This variant is reported in 0.0033% of alleles in individuals of South Asian descent in gnomAD and is consistently interpreted as likely pathogenic/pathogenic in ClinVar (Variation ID: 68149). This variant is interpreted as likely pathogenic.

Women's Health and Genetics/Laboratory Corporation of America, LabCorp
Classification: Pathogenic for Metachromatic leukodystrophy. Last evaluated: 2026-02-09. Review status: criteria provided, single submitter. Criteria: LabCorp Variant Classification Summary - May 2015. Collection method: clinical testing. Allele origin: germline.
Comment: Variant summary: ARSA c.746T>C (p.Phe249Ser) results in a non-conservative amino acid change in the encoded protein sequence. Algorithms developed to predict the effect of missense changes on protein structure and function all suggest that this variant is likely to be disruptive. The variant allele was found at a frequency of 1.2e-05 in 251058 control chromosomes. c.746T>C has been observed in multiple individuals affected with Metachromatic Leukodystrophy (e.g. Olkhovich_2003, Lugowska_2010, Luzi_2013, Liaw_2015, Virgens_2015, Wang_2024). These data indicate that the variant is very likely to be associated with disease. To our knowledge, no experimental evidence demonstrating an impact on protein function has been reported. The following publications have been ascertained in the context of this evaluation (PMID: 26553228, 20339381, 24001781, 14680985, 25965562, 38693247). ClinVar contains an entry for this variant (Variation ID: 68149). Based on the evidence outlined above, the variant was classified as pathogenic.

3billion
Classification: Likely pathogenic for Metachromatic leukodystrophy. Last evaluated: 2025-07-28. Review status: criteria provided, single submitter. Criteria: ACMG Guidelines, 2015. Collection method: clinical testing. Allele origin: germline. Affected: yes.
Comment: The variant is observed at an extremely low frequency in the gnomAD v4.1.0 dataset (total allele frequency: <0.001%). Predicted Consequence/Location: Missense variant In silico tool predictions suggest damaging effect of the variant on gene or gene product [REVEL: 0.91 (>=0.6, sensitivity 0.68 and specificity 0.92); 3Cnet: 0.98 (> 0.75, sensitivity 0.96 and precision 0.92)]. The same nucleotide change resulting in the same amino acid change has been previously reported as pathogenic/likely pathogenic with strong evidence (ClinVar ID: VCV000068149 /PMID: 14680985). A different missense change at the same codon (p.Phe249Cys) has been reported as pathogenic/likely pathogenic with strong evidence (ClinVar ID: VCV001332730 /PMID: 30674982). Therefore, this variant is classified as Likely pathogenic according to the recommendation of ACMG/AMP guideline.

Labcorp Genetics (formerly Invitae), Labcorp
Classification: Pathogenic for Metachromatic leukodystrophy. Last evaluated: 2024-09-29. Review status: criteria provided, single submitter. Criteria: Invitae Variant Classification Sherloc (09022015). Collection method: clinical testing. Allele origin: germline.
Comment: This sequence change replaces phenylalanine, which is neutral and non-polar, with serine, which is neutral and polar, at codon 249 of the ARSA protein (p.Phe249Ser). This variant is present in population databases (rs199476384, gnomAD 0.003%). This missense change has been observed in individual(s) with metachromatic leukodystrophy (PMID: 14680985, 23701968, 24001781, 25965562, 26553228; internal data). In at least one individual the data is consistent with being in trans (on the opposite chromosome) from a pathogenic variant. This variant is also known as p.Phe247Ser. ClinVar contains an entry for this variant (Variation ID: 68149). Invitae Evidence Modeling of protein sequence and biophysical properties (such as structural, functional, and spatial information, amino acid conservation, physicochemical variation, residue mobility, and thermodynamic stability) indicates that this missense variant is expected to disrupt ARSA protein function with a positive predictive value of 95%. For these reasons, this variant has been classified as Pathogenic.

Natera, Inc.
Classification: Pathogenic for Metachromatic leukodystrophy. Last evaluated: 2020-09-03. Review status: no assertion criteria provided. Collection method: clinical testing. Allele origin: germline. Not counted in ClinVar's aggregate classification.

Counsyl
Classification: Likely pathogenic for Metachromatic leukodystrophy. Last evaluated: 2017-10-10. Review status: no assertion criteria provided. Collection method: clinical testing. Allele origin: unknown. Not counted in ClinVar's aggregate classification.

Gelb Laboratory, University of Washington
No classification provided (evidence only). Condition: Metachromatic leukodystrophy. Review status: no classification provided. Collection method: in vitro. Allele origin: not applicable. Functional consequence: loss of function. Not counted in ClinVar's aggregate classification.

UniProtKB/Swiss-Prot
No classification provided. Review status: no classification provided. Collection method: not provided. Allele origin: not provided. Not counted in ClinVar's aggregate classification.

Literature cited by the submitters: PubMed 25965562 (cited by 3 submitters); PubMed 26553228 (cited by 3 submitters); PubMed 24001781 (cited by 3 submitters); PubMed 20339381 (cited by Women's Health and Genetics/Laboratory Corporation of America, LabCorp); PubMed 38693247 (cited by Women's Health and Genetics/Laboratory Corporation of America, LabCorp); PubMed 14680985 (cited by 4 submitters); PubMed 30674982 (cited by 3billion); PubMed 23701968 (cited by Labcorp Genetics (formerly Invitae), Labcorp and Counsyl).

NM_000487.6(ARSA):c.746T>C (p.Phe249Ser)

Gene: ARSA (arylsulfatase A; minus strand). Cytogenetic location: 22q13.33.
Variant type: single nucleotide variant.
Coding change: c.746T>C on transcript NM_000487.6 (MANE Select); coding-DNA position 746, T replaced by C.
Protein change: p.Phe249Ser; replaces phenylalanine 249 with serine.
Molecular consequence: missense variant.
Genome position (GRCh38, 1-based): chr22:50,626,699, A>G on the plus strand (T>C on the coding strand, the complement: ARSA is on the minus strand). VCF-style: chr22-50626699-A-G. GRCh37 (hg19) VCF-style: chr22-51065127-A-G.
Other names: c.746T>C, p.Phe249Ser (NM_001085425.3, NM_001085426.3, NM_001085427.3); c.488T>C, p.Phe163Ser (NM_001085428.3, NM_001362782.2); short protein forms F249S, F163S.
Identifiers: ClinVar variation 68149 (VCV000068149.19), dbSNP rs199476384, ClinGen allele CA219054.